The following is an entry in ClinVar:

NM_024642.5(GALNT12):c.1704C>T (p.Asn568=)

Gene: GALNT12 (polypeptide N-acetylgalactosaminyltransferase 12; plus strand). Cytogenetic location: 9q22.33.
Variant type: single nucleotide variant.
Coding change: c.1704C>T on transcript NM_024642.5 (MANE Select); coding-DNA position 1704, C replaced by T.
Protein change: p.Asn568=; no amino-acid change (asparagine 568 retained).
Molecular consequence: synonymous variant.
Genome position (GRCh38, 1-based): chr9:98,849,050, C>T. VCF-style: chr9-98849050-C-T. GRCh37 (hg19) VCF-style: chr9-101611332-C-T.
Identifiers: ClinVar variation 4875718 (VCV004875718.1).

ClinVar aggregate classification (germline): Benign (1 of 4 stars; one submission).

Conditions:
Colorectal cancer, susceptibility to, 1. Also called: COLORECTAL ADENOMA AND CANCER, SUSCEPTIBILITY TO; COLORECTAL CANCER, SUSCEPTIBILITY TO, ON CHROMOSOME 9. Identifiers: MedGen C1837315, MONDO:0012132, OMIM 608812.

Submission:

Myriad Genetics, Inc.
Classification: Benign for Colorectal cancer, susceptibility to, 1. Last evaluated: 2026-04-28. Review status: criteria provided, single submitter. Criteria: Myriad Autosomal Dominant, Autosomal Recessive and X-Linked Classification Criteria (2023). Collection method: clinical testing. Allele origin: unknown.
Comment: This variant is considered benign. This variant is a silent/synonymous amino acid change and it is not expected to impact splicing.